The following is an entry in ClinVar:

ClinVar aggregate classification (germline): Likely pathogenic. Review status: criteria provided, multiple submitters, no conflicts (2 of 4 stars). 5 submissions from 5 submitters: Likely pathogenic (5). Last evaluated 2024-11-27.

Conditions:
FANCE-related disorders.
Fanconi anemia complementation group E (FANCE). Also called: FANCE-Related Fanconi Anemia. Identifiers: Orphanet 84, MedGen C3160739, MONDO:0010953, OMIM 600901.

Allele frequency attached by ClinVar (database versions not stated): gnomAD 0.00001.

Submissions (5):

Labcorp Genetics (formerly Invitae), Labcorp
Classification: Likely pathogenic for Fanconi anemia complementation group E. Last evaluated: 2024-11-27. Review status: criteria provided, single submitter. Criteria: Invitae Variant Classification Sherloc (09022015). Collection method: clinical testing. Allele origin: germline.
Comment: This sequence change affects a splice site in intron 1 of the FANCE gene. It is expected to disrupt RNA splicing. Variants that disrupt the donor or acceptor splice site typically lead to a loss of protein function (PMID: 16199547), and loss-of-function variants in FANCE are known to be pathogenic (PMID: 11001585, 17924555). This variant is not present in population databases (gnomAD no frequency). This variant has not been reported in the literature in individuals affected with FANCE-related conditions. ClinVar contains an entry for this variant (Variation ID: 1066582). Algorithms developed to predict the effect of sequence changes on RNA splicing suggest that this variant may disrupt the consensus splice site. In summary, the currently available evidence indicates that the variant is pathogenic, but additional data are needed to prove that conclusively. Therefore, this variant has been classified as Likely Pathogenic.

Fulgent Genetics
Classification: Likely pathogenic for Fanconi anemia complementation group E. Last evaluated: 2024-06-04. Review status: criteria provided, single submitter. Criteria: ACMG Guidelines, 2015. Collection method: clinical testing. Allele origin: germline.

Baylor Genetics
Classification: Likely pathogenic for Fanconi anemia complementation group E. Last evaluated: 2024-03-04. Review status: criteria provided, single submitter. Criteria: ACMG Guidelines, 2015. Collection method: clinical testing. Allele origin: unknown.

Blueprint Genetics
Classification: Likely pathogenic for FANCE-related disorders. Last evaluated: 2018-08-29. Review status: criteria provided, single submitter. Criteria: ACMG Guidelines, 2015. Collection method: clinical testing. Allele origin: germline. Affected: yes. Observed: 1 variant allele.

Juno Genomics, Hangzhou Juno Genomics, Inc
Classification: Likely pathogenic for Fanconi anemia complementation group E. Review status: criteria provided, single submitter. Criteria: ACMG Guidelines, 2015. Collection method: clinical testing. Allele origin: germline.
Comment: Null variant in a gene where loss of function (LOF) is a known mechanism of disease.;Absent from controls (or at extremely low frequency if recessive) in Genome Aggregation Database.

Literature cited by the submitters: PubMed 16199547 (cited by Labcorp Genetics (formerly Invitae), Labcorp); PubMed 11001585 (cited by Labcorp Genetics (formerly Invitae), Labcorp); PubMed 17924555 (cited by Labcorp Genetics (formerly Invitae), Labcorp).

NM_021922.3(FANCE):c.248+1del

Genes: FANCE (FA complementation group E; plus strand), LOC129996245 (ATAC-STARR-seq lymphoblastoid silent region 17092; plus strand). Cytogenetic location: 6p21.31.
Variant type: Deletion.
Coding change: c.248+1del on transcript NM_021922.3 (MANE Select); the canonical splice donor site of the intron after coding-DNA position 248, one base deleted (G; older notation c.248+1delG).
Molecular consequence: splice donor variant.
Genome position (GRCh38, 1-based): chr6:35,452,794, G deleted. VCF-style (leftmost placement, unchanged base first): chr6-35452793-TG-T. GRCh37 (hg19) VCF-style: chr6-35420570-TG-T.
Other names: c.248+1del (NM_001410876.1).
Identifiers: ClinVar variation 1066582 (VCV001066582.13), dbSNP rs1767163932, ClinGen allele CA1087821734.